The following is an entry in ClinVar:

ClinVar aggregate classification (germline): Uncertain significance (1 of 4 stars; one submission).

gnomAD v4.1: 8 of 1,613,392 alleles (0.0005%); highest among the groups gnomAD compares: Admixed American, 0.0033%; no homozygotes.

Submission:

Labcorp Genetics (formerly Invitae), Labcorp
Classification: Uncertain significance. Last evaluated: 2022-03-31. Review status: criteria provided, single submitter. Criteria: Invitae Variant Classification Sherloc (09022015). Collection method: clinical testing. Allele origin: germline.
Comment: This sequence change replaces arginine, which is basic and polar, with glutamine, which is neutral and polar, at codon 456 of the NBAS protein (p.Arg456Gln). This variant is not present in population databases (gnomAD no frequency). This variant has not been reported in the literature in individuals affected with NBAS-related conditions. Algorithms developed to predict the effect of missense changes on protein structure and function (SIFT, PolyPhen-2, Align-GVGD) all suggest that this variant is likely to be disruptive. In summary, the available evidence is currently insufficient to determine the role of this variant in disease. Therefore, it has been classified as a Variant of Uncertain Significance.

NM_015909.4(NBAS):c.1367G>A (p.Arg456Gln)

Gene: NBAS (NBAS subunit of NRZ tethering complex; minus strand). Cytogenetic location: 2p24.3.
Variant type: single nucleotide variant.
Coding change: c.1367G>A on transcript NM_015909.4 (MANE Select); coding-DNA position 1367, G replaced by A.
Protein change: p.Arg456Gln; replaces arginine 456 with glutamine.
Molecular consequence: missense variant. On other transcripts: non-coding transcript variant (1).
Genome position (GRCh38, 1-based): chr2:15,474,299, C>T on the plus strand (G>A on the coding strand, the complement: NBAS is on the minus strand). VCF-style: chr2-15474299-C-T. GRCh37 (hg19) VCF-style: chr2-15614423-C-T.
Other names: short protein forms R456Q.
Identifiers: ClinVar variation 1938314 (VCV001938314.2), dbSNP rs200802376, ClinGen allele CA345889602.